The following is an entry in ClinVar:

ClinVar aggregate classification (germline): Uncertain significance (1 of 4 stars; one submission).

gnomAD v4.1: 1 of 1,613,838 alleles (0.000062%); highest among the groups gnomAD compares: Non-Finnish European, 0.000085%; no homozygotes.

Submission:

Labcorp Genetics (formerly Invitae), Labcorp
Classification: Uncertain significance. Last evaluated: 2025-08-05. Review status: criteria provided, single submitter. Criteria: Invitae Variant Classification Sherloc (09022015). Collection method: clinical testing. Allele origin: germline.
Comment: This sequence change replaces arginine, which is basic and polar, with proline, which is neutral and non-polar, at codon 2068 of the CACNA1D protein (p.Arg2068Pro). This variant is not present in population databases (gnomAD no frequency). This variant has not been reported in the literature in individuals affected with CACNA1D-related conditions. An algorithm developed to predict the effect of missense changes on protein structure and function (PolyPhen-2) suggests that this variant is likely to be tolerated. In summary, the available evidence is currently insufficient to determine the role of this variant in disease. Therefore, it has been classified as a Variant of Uncertain Significance.

NM_001128840.3(CACNA1D):c.6143G>C (p.Arg2048Pro)

Gene: CACNA1D (calcium voltage-gated channel subunit alpha1 D; plus strand). Cytogenetic location: 3p21.1.
Variant type: single nucleotide variant.
Coding change: c.6143G>C on transcript NM_001128840.3 (MANE Select); coding-DNA position 6143, G replaced by C.
Protein change: p.Arg2048Pro; replaces arginine 2048 with proline.
Molecular consequence: missense variant.
Genome position (GRCh38, 1-based): chr3:53,810,249, G>C. VCF-style: chr3-53810249-G-C. GRCh37 (hg19) VCF-style: chr3-53844276-G-C.
Other names: c.6203G>C, p.Arg2068Pro (NM_000720.4); c.6071G>C, p.Arg2024Pro (NM_001128839.3); short protein forms R2048P, R2024P, R2068P.
Identifiers: ClinVar variation 4703137 (VCV004703137.1).
Genomic context (GRCh38, chr3:53,810,249, plus strand): 5'-AGCCCGACATCTCCTACCGGACTTTCACACCAGCCAGCCTGACTGTCCCCAGCAGCTTCC[G>C]GAACAAAAACAGCGACAAGCAGAGGAGTGCGGACAGCTTGGTGGAGGCAGTGAGTACGGT-3'
Protein context (NP_001122312.1, residues 2038-2058): PASLTVPSSF[Arg2048Pro]NKNSDKQRSA